The following is an entry in ClinVar:

NM_001035.3(RYR2):c.11443G>C (p.Glu3815Gln)

Gene: RYR2 (ryanodine receptor 2; plus strand). Cytogenetic location: 1q43.
Variant type: single nucleotide variant.
Coding change: c.11443G>C on transcript NM_001035.3 (MANE Select); coding-DNA position 11443, G replaced by C.
Protein change: p.Glu3815Gln; replaces glutamic acid 3815 with glutamine.
Molecular consequence: missense variant.
Genome position (GRCh38, 1-based): chr1:237,760,995, G>C. VCF-style: chr1-237760995-G-C. GRCh37 (hg19) VCF-style: chr1-237924295-G-C.
Other names: short protein forms E3815Q.
Identifiers: ClinVar variation 3074569 (VCV003074569.1), dbSNP rs1478439786, ClinGen allele CA345430031.

ClinVar aggregate classification (germline): Uncertain significance (1 of 4 stars; one submission).

Conditions:
Catecholaminergic polymorphic ventricular tachycardia (CVPT). Also called: Catecholamine-induced polymorphic ventricular tachycardia. Identifiers: Orphanet 3286, MedGen C5574922, MONDO:0017990.

Allele frequency attached by ClinVar (database versions not stated): gnomAD exomes below 0.00001.
gnomAD v4.1: 5 of 1,580,070 alleles (0.00032%); highest among the groups gnomAD compares: Non-Finnish European, 0.00043%; no homozygotes.

Submission:

All of Us Research Program, National Institutes of Health
Classification: Uncertain significance for Catecholaminergic polymorphic ventricular tachycardia. Last evaluated: 2023-11-20. Review status: criteria provided, single submitter. Criteria: ACMG Guidelines, 2015. Collection method: clinical testing. Allele origin: germline. Inheritance: Autosomal dominant inheritance. Observed: 1 variant allele, 1 heterozygote.
Comment: This missense variant replaces glutamic acid with glutamine at codon 3815 of the RYR2 protein. Computational prediction suggests that this variant may have deleterious impact on protein structure and function (internally defined REVEL score threshold >= 0.7, PMID: 27666373). To our knowledge, functional studies have not been reported for this variant. This variant has not been reported in individuals affected with RYR2-related disorders in the literature. This variant has not been identified in the general population by the Genome Aggregation Database (gnomAD). The available evidence is insufficient to determine the role of this variant in disease conclusively. Therefore, this variant is classified as a Variant of Uncertain Significance.

This study involves interpretation of variants in research participants for the purpose of population health screening. Participant phenotype was not available at the time of variant classification. Additional details can be found in publication PMID: 35346344, PMCID: PMC8962531